The following is an entry in ClinVar:

NM_001377142.1(PLCB4):c.1080C>G (p.Asp360Glu)

Gene: PLCB4 (phospholipase C beta 4; plus strand). Cytogenetic location: 20p12.2.
Variant type: single nucleotide variant.
Coding change: c.1080C>G on transcript NM_001377142.1 (MANE Select); coding-DNA position 1080, C replaced by G.
Protein change: p.Asp360Glu; replaces aspartic acid 360 with glutamic acid.
Molecular consequence: missense variant.
Genome position (GRCh38, 1-based): chr20:9,387,478, C>G. VCF-style: chr20-9387478-C-G. GRCh37 (hg19) VCF-style: chr20-9368125-C-G.
Other names: c.1080C>G, p.Asp360Glu (NM_000933.4, NM_001172646.2, NM_001377134.2 and 4 more transcripts); short protein forms D360E.
Identifiers: ClinVar variation 4294389 (VCV004294389.1).

ClinVar aggregate classification (germline): Likely pathogenic (1 of 4 stars; one submission).

Conditions:
Auriculocondylar syndrome 2 (ARCND2A). Also called: AURICULOCONDYLAR SYNDROME 2A. Identifiers: Orphanet 137888, MedGen C3553404, MONDO:0013845, OMIM 614669.

Submission:

Laboratoire Génétique Moléculaire, CHRU TOURS
Classification: Likely pathogenic for Auriculocondylar syndrome 2. Last evaluated: 2024-11-14. Review status: criteria provided, single submitter. Criteria: ACMG Guidelines, 2015. Collection method: clinical testing. Allele origin: de novo. Affected: yes.
Comment: PS2;PM1;PM2;PP3;PP4